The following is an entry in ClinVar:

NM_000142.5(FGFR3):c.276G>A (p.Gln92=)

Gene: FGFR3 (fibroblast growth factor receptor 3; plus strand). Cytogenetic location: 4p16.3.
Variant type: single nucleotide variant.
Coding change: c.276G>A on transcript NM_000142.5 (MANE Select); coding-DNA position 276, G replaced by A.
Protein change: p.Gln92=; no amino-acid change (glutamine 92 retained).
Molecular consequence: synonymous variant. On other transcripts: non-coding transcript variant (1).
Genome position (GRCh38, 1-based): chr4:1,799,420, G>A. VCF-style: chr4-1799420-G-A. GRCh37 (hg19) VCF-style: chr4-1801147-G-A.
Other names: c.276G>A, p.Gln92= (NM_001163213.2, NM_001354809.2, NM_001354810.2 and 1 more transcripts).
Identifiers: ClinVar variation 3904901 (VCV003904901.11).
Genomic context (GRCh38, chr4:1,799,420, plus strand): 5'-TGTCTGGGTCAAGGATGGCACAGGGCTGGTGCCCTCGGAGCGTGTCCTGGTGGGGCCCCA[G>A]CGGCTGCAGGTGCTGAATGCCTCCCACGAGGACTCCGGGGCCTACAGCTGCCGGCAGCGG-3'
Protein context (NP_000133.1, residues 82-102): VPSERVLVGP[Gln92=]RLQVLNASHE

ClinVar aggregate classification (germline): Likely benign. Review status: criteria provided, multiple submitters, no conflicts (2 of 4 stars). 2 submissions from 2 submitters: Likely benign (2). Last evaluated 2025-05-01.

gnomAD v4.1: 27 of 1,611,410 alleles (0.0017%); highest among the groups gnomAD compares: Non-Finnish European, 0.0015%; no homozygotes.

Submissions (2):

CeGaT Center for Human Genetics Tuebingen
Classification: Likely benign. Last evaluated: 2025-05-01. Review status: criteria provided, single submitter. Criteria: CeGaT Center For Human Genetics Tuebingen Variant Classification Criteria Version 2. Collection method: clinical testing. Allele origin: germline. Affected: yes. Observed: 1 variant allele.
Comment: FGFR3: BP4, BP7

Blueprint Genetics
Classification: Likely benign. Last evaluated: 2024-08-07. Review status: criteria provided, single submitter. Criteria: ACMG Guidelines, 2015. Collection method: clinical testing. Allele origin: germline.